The following is an entry in ClinVar:

NM_017654.4(SAMD9):c.3723T>G (p.Asp1241Glu)

Gene: SAMD9 (sterile alpha motif domain containing 9; minus strand). Cytogenetic location: 7q21.2.
Variant type: single nucleotide variant.
Coding change: c.3723T>G on transcript NM_017654.4 (MANE Select); coding-DNA position 3723, T replaced by G.
Protein change: p.Asp1241Glu; replaces aspartic acid 1241 with glutamic acid.
Molecular consequence: missense variant.
Genome position (GRCh38, 1-based): chr7:93,102,375, A>C on the plus strand (T>G on the coding strand, the complement: SAMD9 is on the minus strand). VCF-style: chr7-93102375-A-C. GRCh37 (hg19) VCF-style: chr7-92731688-A-C.
Other names: c.3723T>G, p.Asp1241Glu (NM_001193307.2); short protein forms D1241E.
Identifiers: ClinVar variation 4629926 (VCV004629926.1).

ClinVar aggregate classification (germline): Uncertain significance (1 of 4 stars; one submission).

Conditions:
Inborn genetic diseases. Identifiers: MedGen C0950123, MeSH D030342.

Submission:

Ambry Genetics
Classification: Uncertain significance for Inborn genetic diseases. Last evaluated: 2025-11-04. Review status: criteria provided, single submitter. Criteria: Ambry Variant Classification Scheme 2023. Collection method: clinical testing. Allele origin: germline.
Comment: The p.D1241E variant (also known as c.3723T>G), located in coding exon 1 of the SAMD9 gene, results from a T to G substitution at nucleotide position 3723. The aspartic acid at codon 1241 is replaced by glutamic acid, an amino acid with highly similar properties. This amino acid position is conserved. In addition, this alteration is predicted to be tolerated by in silico analysis. Based on the available evidence, the clinical significance of this variant remains unclear.